The following is an entry in ClinVar:

NM_003482.4(KMT2D):c.14932C>T (p.Arg4978Cys)

Gene: KMT2D (lysine methyltransferase 2D; minus strand). Cytogenetic location: 12q13.12.
Variant type: single nucleotide variant.
Coding change: c.14932C>T on transcript NM_003482.4 (MANE Select); coding-DNA position 14932, C replaced by T.
Protein change: p.Arg4978Cys; replaces arginine 4978 with cysteine.
Molecular consequence: missense variant.
Genome position (GRCh38, 1-based): chr12:49,027,034, G>A on the plus strand (C>T on the coding strand, the complement: KMT2D is on the minus strand). VCF-style: chr12-49027034-G-A. GRCh37 (hg19) VCF-style: chr12-49420817-G-A.
Other names: short protein forms R4978C.
Identifiers: ClinVar variation 3707160 (VCV003707160.3).

ClinVar aggregate classification (germline): Conflicting classifications of pathogenicity. Review status: criteria provided, conflicting classifications (1 of 4 stars). 2 submissions from 2 submitters: Uncertain significance (1); Benign (1). Last evaluated 2026-07-20.

Conditions:
Kabuki syndrome. Also called: Kabuki make-up syndrome; NIIKAWA-KUROKI SYNDROME. Identifiers: Orphanet 2322, MedGen C0796004, MONDO:0016512.
KMT2D-related disorder. Also called: KMT2D-Related Disorders.

gnomAD v4.1: 8 of 1,613,822 alleles (0.0005%); highest among the groups gnomAD compares: African/African-American, 0.0053%; no homozygotes.

Submissions (2):

PreventionGenetics, part of Exact Sciences
Classification: Uncertain significance for KMT2D-related condition. Last evaluated: 2026-07-20. Review status: criteria provided, single submitter. Criteria: ACMG Guidelines, 2015. Collection method: clinical testing. Allele origin: germline.
Comment: The KMT2D c.14932C>T variant is predicted to result in the amino acid substitution p.Arg4978Cys. This variant was reported de novo in an individual with Tetralogy of Fallot (Table S3, Tang et al. 2022. PubMed ID: 34905512). This variant is reported in one out of ~249,000 alleles in gnomAD. At this time, the clinical significance of this variant is uncertain due to the absence of conclusive functional and genetic evidence.

Labcorp Genetics (formerly Invitae), Labcorp
Classification: Benign for Kabuki syndrome. Last evaluated: 2025-06-14. Review status: criteria provided, single submitter. Criteria: Invitae Variant Classification Sherloc (09022015). Collection method: clinical testing. Allele origin: germline.